The following is an entry in ClinVar:

ClinVar aggregate classification (germline): Likely pathogenic (1 of 4 stars; one submission).

Conditions:
LAMA2-related muscular dystrophy (LAMA2-RD). Also called: Laminin alpha 2-related dystrophy. Identifiers: MedGen C5679788, MONDO:0100228.

Submission:

Myriad Genetics, Inc.
Classification: Likely pathogenic for LAMA2-related muscular dystrophy. Last evaluated: 2019-02-05. Review status: criteria provided, single submitter. Criteria: Myriad Autosomal Dominant, Autosomal Recessive and X-Linked Classification Criteria (2023). Collection method: clinical testing. Allele origin: unknown.
Comment: NM_000426.3(LAMA2):c.5155A>T(K1719*) is expected to be pathogenic in the context of LAMA2-related muscular dystrophy. This variant is predicted to lead to an abnormal or absent protein product due to the creation of a premature termination codon in LAMA2, a gene where loss-of-function variants are known to be pathogenic. Please note: this variant was assessed in the context of healthy population screening.

NM_000426.4(LAMA2):c.5155A>T (p.Lys1719Ter)

Gene: LAMA2 (laminin subunit alpha 2; plus strand). Cytogenetic location: 6q22.33.
Variant type: single nucleotide variant.
Coding change: c.5155A>T on transcript NM_000426.4 (MANE Select); coding-DNA position 5155, A replaced by T.
Protein change: p.Lys1719Ter; replaces lysine 1719 with a stop codon.
Molecular consequence: nonsense.
Genome position (GRCh38, 1-based): chr6:129,391,574, A>T. VCF-style: chr6-129391574-A-T. GRCh37 (hg19) VCF-style: chr6-129712719-A-T.
Other names: c.5155A>T, p.Lys1719Ter (NM_001079823.2); short protein forms K1719*.
Identifiers: ClinVar variation 984206 (VCV000984206.4), dbSNP rs1779323338, ClinGen allele CA365614091.